The following is an entry in ClinVar:

ClinVar aggregate classification (germline): Uncertain significance (1 of 4 stars; one submission).

Submission:

Labcorp Genetics (formerly Invitae), Labcorp
Classification: Uncertain significance. Last evaluated: 2024-12-02. Review status: criteria provided, single submitter. Criteria: Invitae Variant Classification Sherloc (09022015). Collection method: clinical testing. Allele origin: germline.
Comment: This variant, c.934_942dup, results in the insertion of 3 amino acid(s) of the IL12RB2 protein (p.Leu312_Ala314dup), but otherwise preserves the integrity of the reading frame. This variant is present in population databases (rs769470624, gnomAD 0.003%). This variant has not been reported in the literature in individuals affected with IL12RB2-related conditions. ClinVar contains an entry for this variant (Variation ID: 2007159). In summary, the available evidence is currently insufficient to determine the role of this variant in disease. Therefore, it has been classified as a Variant of Uncertain Significance.

NM_001374259.2(IL12RB2):c.934_942dup (p.Ala314_Gln315insLeuArgAla)

Gene: IL12RB2 (interleukin 12 receptor subunit beta 2; plus strand). Cytogenetic location: 1p31.3.
Variant type: Duplication.
Coding change: c.934_942dup on transcript NM_001374259.2 (MANE Select); coding-DNA positions 934 to 942, 9 bases duplicated (TTGAGAGCA; older notation c.934_942dupTTGAGAGCA).
Protein change: p.Ala314_Gln315insLeuArgAla.
Molecular consequence: inframe insertion. On other transcripts: non-coding transcript variant (2).
Genome position (GRCh38, 1-based): chr1:67,330,786-67,330,794, TTGAGAGCA duplicated; duplicating any 9 consecutive bases within chr1:67,330,784-67,330,794 gives the same sequence; the c. name uses the placement nearest the transcript's 3' end. VCF-style (leftmost placement, unchanged base first): chr1-67330783-T-TCATTGAGAG. GRCh37 (hg19) VCF-style: chr1-67796466-T-TCATTGAGAG.
Other names: c.934_942dup, p.Ala314_Gln315insLeuArgAla (NM_001258214.1, NM_001258215.1, NM_001258216.1 and 2 more transcripts).
Identifiers: ClinVar variation 2007159 (VCV002007159.4), dbSNP rs769470624, ClinGen allele CA900326.